The following is an entry in ClinVar:

NM_001080467.3(MYO5B):c.2966G>A (p.Arg989His)

Gene: MYO5B (myosin VB; minus strand). Cytogenetic location: 18q21.1.
Variant type: single nucleotide variant.
Coding change: c.2966G>A on transcript NM_001080467.3 (MANE Select); coding-DNA position 2966, G replaced by A.
Protein change: p.Arg989His; replaces arginine 989 with histidine.
Molecular consequence: missense variant.
Genome position (GRCh38, 1-based): chr18:49,895,020, C>T on the plus strand (G>A on the coding strand, the complement: MYO5B is on the minus strand). VCF-style: chr18-49895020-C-T. GRCh37 (hg19) VCF-style: chr18-47421390-C-T.
Other names: short protein forms R989H.
Identifiers: ClinVar variation 891285 (VCV000891285.6), dbSNP rs747276755, ClinGen allele CA8960886.
Genomic context (GRCh38, chr18:49,895,020, plus strand): 5'-TCCCTGCTGTGGGCGTCCTCCAAGATCTTGCGCTCCGAGTGGGCCCTCTGCAGCTCTGTG[C>T]GCAGGCTCTCCACCTCCTCCTGCAGCCTGAGGCTGGTGTCCTCACCTGGGCTCTGCTGGT-3'
Protein context (NP_001073936.1, residues 979-999): LRLQEEVESL[Arg989His]TELQRAHSER

ClinVar aggregate classification (germline): Uncertain significance. Review status: criteria provided, multiple submitters, no conflicts (2 of 4 stars). 3 submissions from 3 submitters: Uncertain significance (3). Last evaluated 2024-08-27.

Conditions:
Inborn genetic diseases. Identifiers: MedGen C0950123, MeSH D030342.
Congenital microvillous atrophy (DIAR2). Also called: CONGENITAL FAMILIAL PROTRACTED DIARRHEA WITH ENTEROCYTE BRUSH-BORDER ABNORMALITIES; DAVIDSON DISEASE; MICROVILLUS ATROPHY, CONGENITAL; Microvillus inclusion disease; Diarrhea 2 with microvillus atrophy, with or without cholestasis. Identifiers: Orphanet 2290, MedGen C0341306, MONDO:0009635, OMIM 251850.

Allele frequency attached by ClinVar (database versions not stated): gnomAD 0.00001; ExAC 0.00003; TOPMed 0.00004; gnomAD exomes 0.00006.
gnomAD v4.1: 42 of 1,613,816 alleles (0.0026%); highest among the groups gnomAD compares: Middle Eastern, 0.066%; 1 homozygote.

Submissions (3):

Ambry Genetics
Classification: Uncertain significance for Inborn genetic diseases. Last evaluated: 2024-08-27. Review status: criteria provided, single submitter. Criteria: Ambry Variant Classification Scheme 2023. Collection method: clinical testing. Allele origin: germline.

Labcorp Genetics (formerly Invitae), Labcorp
Classification: Uncertain significance. Last evaluated: 2022-07-15. Review status: criteria provided, single submitter. Criteria: Invitae Variant Classification Sherloc (09022015). Collection method: clinical testing. Allele origin: germline.
Comment: This sequence change replaces arginine, which is basic and polar, with histidine, which is basic and polar, at codon 989 of the MYO5B protein (p.Arg989His). This variant is present in population databases (rs747276755, gnomAD 0.02%). This variant has not been reported in the literature in individuals affected with MYO5B-related conditions. ClinVar contains an entry for this variant (Variation ID: 891285). Algorithms developed to predict the effect of missense changes on protein structure and function are either unavailable or do not agree on the potential impact of this missense change (SIFT: "Deleterious"; PolyPhen-2: "Benign"; Align-GVGD: "Class C0"). In summary, the available evidence is currently insufficient to determine the role of this variant in disease. Therefore, it has been classified as a Variant of Uncertain Significance.

Illumina Laboratory Services, Illumina
Classification: Uncertain significance for Congenital microvillous atrophy. Last evaluated: 2018-01-13. Review status: criteria provided, single submitter. Criteria: ICSL Variant Classification Criteria 13 December 2019. Collection method: clinical testing. Allele origin: germline.